The following is an entry in ClinVar:

ClinVar aggregate classification (germline): Likely pathogenic. Review status: criteria provided, multiple submitters, no conflicts (2 of 4 stars). 3 submissions from 3 submitters: Likely pathogenic (3). Last evaluated 2025-05-23.

Conditions:
Trimethylaminuria (TMAU). Also called: Primary Trimethylaminuria; Fish malodor syndrome; Stale fish syndrome; TMAuria; FISH-ODOR SYNDROME. Identifiers: MedGen C0342739, MONDO:0011182, OMIM 602079, HP:0003614. Disease mechanism: loss of function.

Allele frequency attached by ClinVar (database versions not stated): ExAC 0.00002; gnomAD 0.00002; TOPMed 0.00003.
gnomAD v4.1: 39 of 1,613,784 alleles (0.0024%); highest among the groups gnomAD compares: African/African-American, 0.004%; no homozygotes.

Submissions (3):

First Genomix Gene Laboratory, Genetic Diagnostics Department
Classification: Likely pathogenic for Trimethylaminuria. Last evaluated: 2025-05-23. Review status: criteria provided, single submitter. Criteria: ACMG Guidelines, 2015. Collection method: clinical testing. Allele origin: germline. Inheritance: Autosomal recessive inheritance. Affected: no. Observed: 1 variant allele.

Labcorp Genetics (formerly Invitae), Labcorp
Classification: Likely pathogenic. Last evaluated: 2024-02-18. Review status: criteria provided, single submitter. Criteria: Invitae Variant Classification Sherloc (09022015). Collection method: clinical testing. Allele origin: germline.
Comment: This sequence change replaces arginine, which is basic and polar, with glutamine, which is neutral and polar, at codon 223 of the FMO3 protein (p.Arg223Gln). This variant is present in population databases (rs774866097, gnomAD 0.003%). This missense change has been observed in individual(s) with trimethylaminuria (PMID: 12678693, 33831674). Algorithms developed to predict the effect of missense changes on protein structure and function output the following: SIFT: "Not Available"; PolyPhen-2: "Possibly Damaging"; Align-GVGD: "Not Available". The glutamine amino acid residue is found in multiple mammalian species, which suggests that this missense change does not adversely affect protein function. Experimental studies have shown that this missense change affects FMO3 function (PMID: 33831674). In summary, the currently available evidence indicates that the variant is pathogenic, but additional data are needed to prove that conclusively. Therefore, this variant has been classified as Likely Pathogenic.

Juno Genomics, Hangzhou Juno Genomics, Inc
Classification: Likely pathogenic for Trimethylaminuria. Review status: criteria provided, single submitter. Criteria: ACMG Guidelines, 2015. Collection method: clinical testing. Allele origin: germline.
Comment: Absent from controls (or at extremely low frequency if recessive) in Genome Aggregation Database.;For recessive disorders, detected in trans with a pathogenic variant.;Patient's phenotype or family history is highly specific for a disease with a single genetic etiology.;Well-established in vitro or in vivo functional studies supportive of a damaging effect on the gene or gene product.

Literature cited by the submitters: PubMed 12678693 (cited by Labcorp Genetics (formerly Invitae), Labcorp); PubMed 33831674 (cited by Labcorp Genetics (formerly Invitae), Labcorp).

NM_001002294.3(FMO3):c.668G>A (p.Arg223Gln)

Gene: FMO3 (flavin containing dimethylaniline monoxygenase 3; plus strand). Cytogenetic location: 1q24.3.
Variant type: single nucleotide variant.
Coding change: c.668G>A on transcript NM_001002294.3 (MANE Select); coding-DNA position 668, G replaced by A.
Protein change: p.Arg223Gln; replaces arginine 223 with glutamine.
Molecular consequence: missense variant.
Genome position (GRCh38, 1-based): chr1:171,110,838, G>A. VCF-style: chr1-171110838-G-A. GRCh37 (hg19) VCF-style: chr1-171079979-G-A.
Other names: c.608G>A, p.Arg203Gln (NM_001319173.2); c.479G>A, p.Arg160Gln (NM_001319174.2); c.668G>A, p.Arg223Gln (NM_006894.6); short protein forms R160Q, R223Q, R203Q.
Identifiers: ClinVar variation 2734030 (VCV002734030.6), dbSNP rs774866097, ClinGen allele CA1240625.